The following is an entry in ClinVar:

NM_000535.7(PMS2):c.630dup (p.Arg211fs)

Gene: PMS2 (PMS1 homolog 2, mismatch repair system component; minus strand). Cytogenetic location: 7p22.1.
Variant type: Duplication.
Coding change: c.630dup on transcript NM_000535.7 (MANE Select); coding-DNA position 630, one base duplicated (A; older notation c.630dupA).
Protein change: p.Arg211fs; shifts the reading frame from arginine 211.
Molecular consequence: frameshift variant. On other transcripts: 5 prime UTR variant (2), non-coding transcript variant (1), intron variant (9).
Genome position (GRCh38, 1-based): chr7:5,999,183, T duplicated on the plus strand (A on the coding strand, the reverse complement: PMS2 is on the minus strand); the first of 4 consecutive T bases (chr7:5,999,183-5,999,186); duplicating any one gives the same sequence. VCF-style (leftmost placement, unchanged base first): chr7-5999182-G-GT. GRCh37 (hg19) VCF-style: chr7-6038813-G-GT.
Other names: c.225dup, p.Arg76fs (NM_001406888.1, NM_001406889.1, NM_001406890.1 and 19 more transcripts); c.222dup, p.Arg76Thrfs (NM_001018040.1); c.630dup, p.Arg211fs (NM_001322006.2, NM_001322014.2, NM_001406870.1 and 4 more transcripts); c.312dup, p.Arg105fs (NM_001322007.2, NM_001322008.2, NM_001406876.1 and 4 more transcripts); c.-304dup (NM_001322011.2, NM_001322012.2); c.321dup, p.Arg108fs (NM_001322015.2, NM_001406875.1, NM_001406877.1 and 6 more transcripts); c.816dup, p.Arg273fs (NM_001406866.1); c.654dup, p.Arg219fs (NM_001406868.1); and 8 more; short protein forms R108fs, R273fs, R99fs, R219fs, R105fs, R211fs, R76fs.
Identifiers: ClinVar variation 2447020 (VCV002447020.5), dbSNP rs1784806713, ClinGen allele CA2580076745.

ClinVar aggregate classification (germline): Pathogenic. Review status: criteria provided, multiple submitters, no conflicts (2 of 4 stars). 2 submissions from 2 submitters: Pathogenic (2). Last evaluated 2024-07-09.

Conditions:
Hereditary nonpolyposis colorectal neoplasms. Identifiers: MedGen C0009405, MeSH D003123.
Hereditary cancer-predisposing syndrome. Also called: Neoplastic Syndromes, Hereditary; Hereditary Cancer Syndrome; Tumor predisposition; Hereditary neoplastic syndrome. Identifiers: Orphanet 140162, MedGen C0027672, MeSH D009386, MONDO:0015356.

Submissions (2):

Labcorp Genetics (formerly Invitae), Labcorp
Classification: Pathogenic for Hereditary nonpolyposis colorectal neoplasms. Last evaluated: 2024-07-09. Review status: criteria provided, single submitter. Criteria: Invitae Variant Classification Sherloc (09022015). Collection method: clinical testing. Allele origin: germline.
Comment: This sequence change creates a premature translational stop signal (p.Arg211Thrfs*38) in the PMS2 gene. It is expected to result in an absent or disrupted protein product. Loss-of-function variants in PMS2 are known to be pathogenic (PMID: 21376568, 24362816). This variant is not present in population databases (gnomAD no frequency). This premature translational stop signal has been observed in individual(s) with PMS2-related conditions (PMID: 30324682). ClinVar contains an entry for this variant (Variation ID: 2447020). For these reasons, this variant has been classified as Pathogenic.

Ambry Genetics
Classification: Pathogenic for Hereditary cancer-predisposing syndrome. Last evaluated: 2022-11-02. Review status: criteria provided, single submitter. Criteria: Ambry Variant Classification Scheme 2023. Collection method: clinical testing. Allele origin: germline.
Comment: The c.630dupA pathogenic mutation, located in coding exon 6 of the PMS2 gene, results from a duplication of A at nucleotide position 630, causing a translational frameshift with a predicted alternate stop codon (p.R211Tfs*38). This variant is considered to be rare based on population cohorts in the Genome Aggregation Database (gnomAD). In addition to the clinical data presented in the literature, this alteration is expected to result in loss of function by premature protein truncation or nonsense-mediated mRNA decay. As such, this alteration is interpreted as a disease-causing mutation.

Literature cited by the submitters: PubMed 21376568 (cited by Labcorp Genetics (formerly Invitae), Labcorp); PubMed 24362816 (cited by Labcorp Genetics (formerly Invitae), Labcorp); PubMed 30324682 (cited by Labcorp Genetics (formerly Invitae), Labcorp and Ambry Genetics).